The following is an entry in ClinVar:

ClinVar aggregate classification (germline): Uncertain significance. Review status: criteria provided, multiple submitters, no conflicts (2 of 4 stars). 2 submissions from 2 submitters: Uncertain significance (2). Last evaluated 2024-03-21.

Conditions:
Autosomal recessive limb-girdle muscular dystrophy type 2K. Also called: MUSCULAR DYSTROPHY-DYSTROGLYCANOPATHY (LIMB-GIRDLE), TYPE C, 1; MUSCULAR DYSTROPHY, LIMB-GIRDLE, TYPE 2K. Identifiers: Orphanet 86812, MedGen C1836373, MONDO:0012248, OMIM 609308.
Muscular dystrophy-dystroglycanopathy (congenital with brain and eye anomalies), type A1 (MDDGA1). Also called: COD-MD SYNDROME; Muscular dystrophy-dystroglycanopathy (congenital with brain and eye anomalies), type A, 1; WALKER-WARBURG SYNDROME OR MUSCLE-EYE-BRAIN DISEASE, POMT1-RELATED; Hydrocephalus, agyria and retinal dysplasia; Hard +/- E syndrome; Warburg syndrome. Identifiers: Orphanet 588, Orphanet 899, MedGen C4284790, MONDO:0009364, OMIM 236670.
Muscular dystrophy-dystroglycanopathy (congenital with impaired intellectual development), type B, 1. Also called: Muscular dystrophy-dystroglycanopathy (congenital with intellectual disability), type B1; MUSCULAR DYSTROPHY, CONGENITAL, POMT1-RELATED. Identifiers: MedGen C5436962, MONDO:0013159, OMIM 613155.
Walker-Warburg congenital muscular dystrophy. Also called: Muscular dystrophy-dystroglycanopathy, type A; Walker-Warburg syndrome. Identifiers: Orphanet 899, MedGen C0265221, MONDO:0000171.

Allele frequency attached by ClinVar (database versions not stated): ExAC 0.00001; gnomAD exomes 0.00001; gnomAD 0.00002; ESP Exome Variant Server 0.00008; TOPMed 0.00001.

Submissions (2):

Fulgent Genetics
Classification: Uncertain significance for Muscular dystrophy-dystroglycanopathy (congenital with brain and eye anomalies), type A1; Autosomal recessive limb-girdle muscular dystrophy type 2K; Muscular dystrophy-dystroglycanopathy (congenital with impaired intellectual development), type B, 1. Last evaluated: 2024-03-21. Review status: criteria provided, single submitter. Criteria: ACMG Guidelines, 2015. Collection method: clinical testing. Allele origin: germline.

Labcorp Genetics (formerly Invitae), Labcorp
Classification: Uncertain significance for Muscular dystrophy-dystroglycanopathy (congenital with impaired intellectual development), type B, 1; Walker-Warburg congenital muscular dystrophy; Autosomal recessive limb-girdle muscular dystrophy type 2K. Last evaluated: 2022-06-04. Review status: criteria provided, single submitter. Criteria: Invitae Variant Classification Sherloc (09022015). Collection method: clinical testing. Allele origin: germline.
Comment: This sequence change replaces methionine, which is neutral and non-polar, with isoleucine, which is neutral and non-polar, at codon 242 of the POMT1 protein (p.Met242Ile). This variant is present in population databases (rs374516244, gnomAD 0.006%). This variant has not been reported in the literature in individuals affected with POMT1-related conditions. ClinVar contains an entry for this variant (Variation ID: 957263). Algorithms developed to predict the effect of missense changes on protein structure and function output the following: SIFT: "Deleterious"; PolyPhen-2: "Benign"; Align-GVGD: "Class C0". The isoleucine amino acid residue is found in multiple mammalian species, which suggests that this missense change does not adversely affect protein function. In summary, the available evidence is currently insufficient to determine the role of this variant in disease. Therefore, it has been classified as a Variant of Uncertain Significance.

NM_001077365.2(POMT1):c.699+27G>A

Gene: POMT1 (protein O-mannosyltransferase 1; plus strand). Cytogenetic location: 9q34.13.
Variant type: single nucleotide variant.
Coding change: c.699+27G>A on transcript NM_001077365.2 (MANE Select); 27 bases into the intron after coding-DNA position 699, G replaced by A.
Molecular consequence: intron variant. On other transcripts: missense variant (7), non-coding transcript variant (1).
Genome position (GRCh38, 1-based): chr9:131,510,023, G>A. VCF-style: chr9-131510023-G-A. GRCh37 (hg19) VCF-style: chr9-134385410-G-A.
Other names: c.726G>A, p.Met242Ile (NM_001353193.2, NM_007171.4); c.564G>A, p.Met188Ile (NM_001353197.2, NM_001353198.2, NM_001374689.1); c.375G>A, p.Met125Ile (NM_001353199.2); c.270G>A, p.Met90Ile (NM_001374695.1); c.699+27G>A (NM_001136113.2, NM_001374690.1); c.537+27G>A (NM_001353194.2, NM_001077366.2, NM_001374693.1); c.348+27G>A (NM_001374691.1, NM_001353195.2, NM_001374692.1 and 1 more transcripts); c.609+27G>A (NM_001353196.2); and 1 more; short protein forms M125I, M188I, M242I, M90I.
Identifiers: ClinVar variation 957263 (VCV000957263.8), dbSNP rs374516244, ClinGen allele CA5293377.